The following is an entry in ClinVar:

ClinVar aggregate classification (germline): Pathogenic. Review status: criteria provided, single submitter (1 of 4 stars). 2 submissions from 2 submitters: Pathogenic (1). 1 of the submissions does not count toward it. Last evaluated 2023-06-13.

Conditions:
Vitelliform macular dystrophy 2. Also called: Best vitelliform macular dystrophy, multifocal; Best Macular Dystrophy; Best Vitelliform Macular Dystrophy (BVMD); MACULAR DEGENERATION, POLYMORPHIC VITELLINE; VITELLIFORM MACULAR DYSTROPHY, EARLY-ONSET; VITELLIFORM MACULAR DYSTROPHY, JUVENILE-ONSET. Identifiers: Orphanet 1243, MedGen C2745945, MONDO:0007931, OMIM 153700.

Allele frequency attached by ClinVar (database versions not stated): gnomAD 0.00001; gnomAD exomes 0.00001; TOPMed 0.00001.

Submissions (2):

Labcorp Genetics (formerly Invitae), Labcorp
Classification: Pathogenic. Last evaluated: 2023-06-13. Review status: criteria provided, single submitter. Criteria: Invitae Variant Classification Sherloc (09022015). Collection method: clinical testing. Allele origin: germline.
Comment: ClinVar contains an entry for this variant (Variation ID: 812231). This missense change has been observed in individual(s) with autosomal recessive bestrophinopathy (PMID: 34012682; Invitae). In at least one individual the data is consistent with being in trans (on the opposite chromosome) from a pathogenic variant. This variant is not present in population databases (gnomAD no frequency). This sequence change replaces glycine, which is neutral and non-polar, with aspartic acid, which is acidic and polar, at codon 135 of the BEST1 protein (p.Gly135Asp). For these reasons, this variant has been classified as Pathogenic. This variant disrupts the p.Gly135 amino acid residue in BEST1. Other variant(s) that disrupt this residue have been observed in individuals with BEST1-related conditions (PMID: 31429209, 34012682), which suggests that this may be a clinically significant amino acid residue. Advanced modeling of protein sequence and biophysical properties (such as structural, functional, and spatial information, amino acid conservation, physicochemical variation, residue mobility, and thermodynamic stability) performed at Invitae indicates that this missense variant is expected to disrupt BEST1 protein function.

Sharon lab, Hadassah-Hebrew University Medical Center
Classification: Pathogenic for Best disease. Last evaluated: 2019-06-23. Review status: no assertion criteria provided. Collection method: research. Allele origin: inherited. Affected: yes. Not counted in ClinVar's aggregate classification.

Literature cited by the submitters: PubMed 34012682 (cited by Labcorp Genetics (formerly Invitae), Labcorp); PubMed 31429209 (cited by Labcorp Genetics (formerly Invitae), Labcorp).

NM_004183.4(BEST1):c.404G>A (p.Gly135Asp)

Gene: BEST1 (bestrophin 1; plus strand). Cytogenetic location: 11q12.3.
Variant type: single nucleotide variant.
Coding change: c.404G>A on transcript NM_004183.4 (MANE Select); coding-DNA position 404, G replaced by A.
Protein change: p.Gly135Asp; replaces glycine 135 with aspartic acid.
Molecular consequence: missense variant. On other transcripts: non-coding transcript variant (1).
Genome position (GRCh38, 1-based): chr11:61,955,874, G>A. VCF-style: chr11-61955874-G-A. GRCh37 (hg19) VCF-style: chr11-61723346-G-A.
Other names: c.224G>A, p.Gly75Asp (NM_001139443.3, NM_001300786.2, NM_001300787.2); c.86G>A, p.Gly29Asp (NM_001363591.3); c.404G>A, p.Gly135Asp (NM_001363592.2); c.-772G>A (NM_001363593.3); short protein forms G135D, G29D, G75D.
Identifiers: ClinVar variation 812231 (VCV000812231.9), dbSNP rs1159966472, ClinGen allele CA380835073.